The following is an entry in ClinVar:

NM_000492.4(CFTR):c.295C>G (p.Pro99Ala)

Gene: CFTR (CF transmembrane conductance regulator; plus strand). Cytogenetic location: 7q31.2.
Variant type: single nucleotide variant.
Coding change: c.295C>G on transcript NM_000492.4 (MANE Select); coding-DNA position 295, C replaced by G.
Protein change: p.Pro99Ala; replaces proline 99 with alanine.
Molecular consequence: missense variant.
Genome position (GRCh38, 1-based): chr7:117,530,920, C>G. VCF-style: chr7-117530920-C-G. GRCh37 (hg19) VCF-style: chr7-117170974-C-G.
Other names: c.295C>G (NM_000492.3); short protein forms P99A.
Identifiers: ClinVar variation 993348 (VCV000993348.17), dbSNP rs1031657153, ClinGen allele CA164943588.

ClinVar aggregate classification (germline): Uncertain significance. Review status: criteria provided, multiple submitters, no conflicts (2 of 4 stars). 5 submissions from 5 submitters: Uncertain significance (4). 1 of the submissions does not count toward it. Last evaluated 2025-08-29.

Conditions:
Cystic fibrosis (CF). Also called: MUCOVISCIDOSIS. Identifiers: Orphanet 586, MedGen C0010674, MONDO:0009061, OMIM 219700. Disease mechanism: loss of function.
CFTR-related disorder (CFTR-RD). Also called: CFTR-related disorders; CFTR-related condition. Identifiers: MedGen C5924204, MONDO:7770004.

Submissions (5):

Ambry Genetics
Classification: Uncertain significance for Cystic fibrosis. Last evaluated: 2025-08-29. Review status: criteria provided, single submitter. Criteria: Ambry Variant Classification Scheme 2023. Collection method: clinical testing. Allele origin: germline.
Comment: The p.P99A variant (also known as c.295C>G), located in coding exon 4 of the CFTR gene, results from a C to G substitution at nucleotide position 295. The proline at codon 99 is replaced by alanine, an amino acid with highly similar properties. Another alteration affecting the same amino acid, p.P99L (c.296C>T), has been reported in association with cystic fibrosis (Amaral MD et al. J. Med. Genet., 2001 Nov;38:777-83). This amino acid position is highly conserved in available vertebrate species. In addition, this alteration is predicted to be deleterious by in silico analysis. Since supporting evidence is limited at this time, the clinical significance of this alteration remains unclear.

Blueprint Genetics
Classification: Uncertain significance. Last evaluated: 2022-08-23. Review status: criteria provided, single submitter. Criteria: ACMG Guidelines, 2015. Collection method: clinical testing. Allele origin: germline.

Labcorp Genetics (formerly Invitae), Labcorp
Classification: Uncertain significance for Cystic fibrosis. Last evaluated: 2021-09-17. Review status: criteria provided, single submitter. Criteria: Invitae Variant Classification Sherloc (09022015). Collection method: clinical testing. Allele origin: germline.
Comment: This sequence change replaces proline with alanine at codon 99 of the CFTR protein (p.Pro99Ala). The proline residue is highly conserved and there is a small physicochemical difference between proline and alanine. This variant is not present in population databases (ExAC no frequency). This variant has not been reported in the literature in individuals affected with CFTR-related conditions. ClinVar contains an entry for this variant (Variation ID: 993348). Algorithms developed to predict the effect of missense changes on protein structure and function are either unavailable or do not agree on the potential impact of this missense change (SIFT: "Deleterious"; PolyPhen-2: "Probably Damaging"; Align-GVGD: "Class C0"). Experimental studies have shown that this variant affects CFTR function (PMID: 8663008, 15504721). This variant disrupts the p.Pro99 amino acid residue in CFTR. Other variant(s) that disrupt this residue have been determined to be pathogenic (PMID: 8663008, 11732487, 14872121, 29805046). This suggests that this residue is clinically significant, and that variants that disrupt this residue are likely to be disease-causing. In summary, the available evidence is currently insufficient to determine the role of this variant in disease. Therefore, it has been classified as a Variant of Uncertain Significance.

ARUP Laboratories, Molecular Genetics and Genomics, ARUP Laboratories
Classification: Uncertain significance. Last evaluated: 2019-10-15. Review status: criteria provided, single submitter. Criteria: ARUP Molecular Germline Variant Investigation Process. Collection method: clinical testing. Allele origin: germline.
Comment: The CFTR c.295C>G; p.Pro99Ala variant (rs1031657153), to our knowledge, is not reported in the medical literature or gene specific databases. This variant is also absent from general population databases (Exome Variant Server, Genome Aggregation Database), indicating it is not a common polymorphism. However, another variant at this codon (c.296C>T, p.Pro99Leu) has been functionally evaluated, is reported in individuals with CF and mild CF and is considered pathogenic (Amaral 2001, Gilljam 2004, Raraigh 2018). The proline at codon 99 is highly conserved, and computational analyses (SIFT, PolyPhen-2) predict that this variant is deleterious. Due to limited information, the clinical significance of this CFTR variant is uncertain at this time. References: Amaral MD et al. Cystic fibrosis patients with the 3272-26A>G splicing mutation have milder disease than F508del homozygotes: a large European study. J Med Genet. 2001 38:777-783. Gilljam M et al. Cystic fibrosis diagnosed in an elderly man. Respiration. 2004 71:98-100. Raraigh KS et al. Functional Assays Are Essential for Interpretation of Missense Variants Associated with Variable Expressivity. Am J Hum Genet. 2018 102:1062-1077.

Natera, Inc.
Classification: Uncertain significance for CFTR-related disorders. Last evaluated: 2018-08-21. Review status: no assertion criteria provided. Collection method: clinical testing. Allele origin: germline. Not counted in ClinVar's aggregate classification.

Literature cited by the submitters: PubMed 11732487 (cited by Ambry Genetics and Labcorp Genetics (formerly Invitae), Labcorp); PubMed 8663008 (cited by Labcorp Genetics (formerly Invitae), Labcorp); PubMed 15504721 (cited by Labcorp Genetics (formerly Invitae), Labcorp); PubMed 14872121 (cited by Labcorp Genetics (formerly Invitae), Labcorp); PubMed 29805046 (cited by Labcorp Genetics (formerly Invitae), Labcorp).